The following is an entry in ClinVar:

NM_006623.4(PHGDH):c.1158G>A (p.Ala386=)

Gene: PHGDH (phosphoglycerate dehydrogenase; plus strand). Cytogenetic location: 1p12.
Variant type: single nucleotide variant.
Coding change: c.1158G>A on transcript NM_006623.4 (MANE Select); coding-DNA position 1158, G replaced by A.
Protein change: p.Ala386=; no amino-acid change (alanine 386 retained).
Molecular consequence: synonymous variant.
Genome position (GRCh38, 1-based): chr1:119,741,846, G>A. VCF-style: chr1-119741846-G-A. GRCh37 (hg19) VCF-style: chr1-120284469-G-A.
Other names: p.Ala386=.
Identifiers: ClinVar variation 292318 (VCV000292318.21), dbSNP rs144484007, ClinGen allele CA1037379.

ClinVar aggregate classification (germline): Conflicting classifications of pathogenicity. Review status: criteria provided, conflicting classifications (1 of 4 stars). 4 submissions from 4 submitters: Uncertain significance (1); Likely benign (3). Last evaluated 2025-12-27.

Conditions:
PHGDH deficiency. Identifiers: Orphanet 79351, MedGen C1866174, MONDO:0011152, OMIM 601815.

Allele frequency attached by ClinVar (database versions not stated): TOPMed 0.00005.
gnomAD v4.1: 139 of 1,613,850 alleles (0.0086%); highest among the groups gnomAD compares: Middle Eastern, 0.18%; 1 homozygote.

Submissions (4):

Labcorp Genetics (formerly Invitae), Labcorp
Classification: Likely benign for PHGDH deficiency. Last evaluated: 2025-12-27. Review status: criteria provided, single submitter. Criteria: Invitae Variant Classification Sherloc (09022015). Collection method: clinical testing. Allele origin: germline.

CeGaT Center for Human Genetics Tuebingen
Classification: Likely benign. Last evaluated: 2025-10-01. Review status: criteria provided, single submitter. Criteria: CeGaT Center For Human Genetics Tuebingen Variant Classification Criteria Version 2. Collection method: clinical testing. Allele origin: germline. Affected: yes. Observed: 1 variant allele.
Comment: PHGDH: BP4, BP7

Mayo Clinic Laboratories, Mayo Clinic
Classification: Likely benign. Last evaluated: 2025-07-11. Review status: criteria provided, single submitter. Criteria: ACMG Guidelines, 2015. Collection method: clinical testing. Allele origin: germline. Observed: 1 variant allele.
Comment: BP4, BP7

Illumina Laboratory Services, Illumina
Classification: Uncertain significance for PHGDH deficiency. Last evaluated: 2018-01-13. Review status: criteria provided, single submitter. Criteria: ICSL Variant Classification Criteria 13 December 2019. Collection method: clinical testing. Allele origin: germline.